The following is an entry in ClinVar:

NM_001368397.1(FRMPD4):c.3495C>A (p.Asn1165Lys)

Gene: FRMPD4 (FERM and PDZ domain containing 4; plus strand). Cytogenetic location: Xp22.2.
Variant type: single nucleotide variant.
Coding change: c.3495C>A on transcript NM_001368397.1 (MANE Select); coding-DNA position 3495, C replaced by A.
Protein change: p.Asn1165Lys; replaces asparagine 1165 with lysine.
Molecular consequence: missense variant.
Genome position (GRCh38, 1-based): chrX:12,718,321, C>A. VCF-style: chrX-12718321-C-A. GRCh37 (hg19) VCF-style: chrX-12736440-C-A.
Other names: c.3606C>A, p.Asn1202Lys (NM_001368398.3, NM_001368395.3); c.3486C>A, p.Asn1162Lys (NM_001368399.3); c.3375C>A, p.Asn1125Lys (NM_001368400.3); c.3471C>A, p.Asn1157Lys (NM_001368401.1, NM_001368402.3); c.3495C>A, p.Asn1165Lys (NM_014728.3); c.3501C>A, p.Asn1167Lys (NM_001368396.3); short protein forms N1125K, N1157K, N1162K, N1165K, N1167K, N1202K.
Identifiers: ClinVar variation 4070874 (VCV004070874.1).

ClinVar aggregate classification (germline): Uncertain significance (1 of 4 stars; one submission).

Submission:

GeneDx
Classification: Uncertain significance. Last evaluated: 2025-01-19. Review status: criteria provided, single submitter. Criteria: GeneDx Variant Classification Process June 2021. Collection method: clinical testing. Allele origin: germline. Affected: yes.
Comment: Not observed at significant frequency in large population cohorts (gnomAD); In silico analysis indicates that this missense variant does not alter protein structure/function; Has not been previously published as pathogenic or benign to our knowledge